The following is an entry in ClinVar:

NM_005188.4(CBL):c.1298C>T (p.Pro433Leu)

Gene: CBL (Cbl proto-oncogene; plus strand). Cytogenetic location: 11q23.3.
Variant type: single nucleotide variant.
Coding change: c.1298C>T on transcript NM_005188.4 (MANE Select); coding-DNA position 1298, C replaced by T.
Protein change: p.Pro433Leu; replaces proline 433 with leucine.
Molecular consequence: missense variant.
Genome position (GRCh38, 1-based): chr11:119,278,580, C>T. VCF-style: chr11-119278580-C-T. GRCh37 (hg19) VCF-style: chr11-119149290-C-T.
Other names: p.P433L:CCG>CTG; short protein forms P433L.
Identifiers: ClinVar variation 180817 (VCV000180817.15), dbSNP rs140627020, ClinGen allele CA295990.

ClinVar aggregate classification (germline): Uncertain significance. Review status: criteria provided, multiple submitters, no conflicts (2 of 4 stars). 6 submissions from 6 submitters: Uncertain significance (5). 1 of the submissions does not count toward it. Last evaluated 2025-05-06.

Conditions:
Noonan syndrome and Noonan-related syndrome. Identifiers: Orphanet 98733, MedGen C5681679, MONDO:0020297.
Cardiovascular phenotype. Identifiers: MedGen CN230736.
CBL-related disorder. Also called: NOONAN SYNDROME-LIKE DISORDER WITHOUT JUVENILE MYELOMONOCYTIC LEUKEMIA; CBL MUTATION-ASSOCIATED SYNDROME; CBL SYNDROME. Identifiers: Orphanet 363972, MedGen C3150803, MONDO:0013308, OMIM 613563.
RASopathy. Also called: Noonan spectrum disorder; rasopathies. Identifiers: Orphanet 536391, MedGen C5555857, MONDO:0021060.

Allele frequency attached by ClinVar (database versions not stated): gnomAD exomes below 0.00001 and 0.00001; TOPMed below 0.00001; gnomAD 0.00001; ESP Exome Variant Server 0.00008.
gnomAD v4.1: 15 of 1,613,908 alleles (0.00093%); highest among the groups gnomAD compares: East Asian, 0.0045%; no homozygotes.

Submissions (6):

Labcorp Genetics (formerly Invitae), Labcorp
Classification: Uncertain significance for RASopathy. Last evaluated: 2025-05-06. Review status: criteria provided, single submitter. Criteria: Invitae Variant Classification Sherloc (09022015). Collection method: clinical testing. Allele origin: germline.
Comment: This sequence change replaces proline, which is neutral and non-polar, with leucine, which is neutral and non-polar, at codon 433 of the CBL protein (p.Pro433Leu). This variant is not present in population databases (gnomAD no frequency). This variant has not been reported in the literature in individuals affected with CBL-related conditions. ClinVar contains an entry for this variant (Variation ID: 180817). Invitae Evidence Modeling of protein sequence and biophysical properties (such as structural, functional, and spatial information, amino acid conservation, physicochemical variation, residue mobility, and thermodynamic stability) has been performed for this missense variant. However, the output from this modeling did not meet the statistical confidence thresholds required to predict the impact of this variant on CBL protein function. In summary, the available evidence is currently insufficient to determine the role of this variant in disease. Therefore, it has been classified as a Variant of Uncertain Significance.

Ambry Genetics
Classification: Uncertain significance for Cardiovascular phenotype. Last evaluated: 2022-10-04. Review status: criteria provided, single submitter. Criteria: Ambry Variant Classification Scheme 2023. Collection method: clinical testing. Allele origin: germline.

Women's Health and Genetics/Laboratory Corporation of America, LabCorp
Classification: Uncertain significance. Last evaluated: 2022-06-20. Review status: criteria provided, single submitter. Criteria: LabCorp Variant Classification Summary - May 2015. Collection method: clinical testing. Allele origin: germline.
Comment: Variant summary: CBL c.1298C>T (p.Pro433Leu) results in a non-conservative amino acid change in the encoded protein sequence. Five of five in-silico tools predict a damaging effect of the variant on protein function. The variant allele was found at a frequency of 4e-06 in 251434 control chromosomes. The available data on variant occurrences in the general population are insufficient to allow any conclusion about variant significance. To our knowledge, no occurrence of c.1298C>T in individuals affected with Noonan Syndrome And Related Conditions and no experimental evidence demonstrating its impact on protein function have been reported. Three clinical diagnostic laboratories have submitted clinical-significance assessments for this variant to ClinVar after 2014 without evidence for independent evaluation. All laboratories classified the variant as uncertain significance. Based on the evidence outlined above, the variant was classified as uncertain significance.

GeneDx
Classification: Uncertain significance. Last evaluated: 2020-09-23. Review status: criteria provided, single submitter. Criteria: GeneDx Variant Classification Process June 2021. Collection method: clinical testing. Allele origin: germline. Affected: yes.
Comment: In silico analysis supports that this missense variant has a deleterious effect on protein structure/function; Has not been previously published as pathogenic or benign to our knowledge

Genome Diagnostics Laboratory, The Hospital for Sick Children
Classification: Uncertain significance for Noonan syndrome and Noonan-related syndrome. Last evaluated: 2017-06-13. Review status: criteria provided, single submitter. Criteria: ACMG Guidelines, 2015. Collection method: clinical testing. Allele origin: germline.

PreventionGenetics, part of Exact Sciences
Classification: Uncertain significance for CBL-related condition. Last evaluated: 2024-07-30. Review status: no assertion criteria provided. Collection method: clinical testing. Allele origin: germline. Not counted in ClinVar's aggregate classification.
Comment: The CBL c.1298C>T variant is predicted to result in the amino acid substitution p.Pro433Leu. To our knowledge, this variant has not been reported in the literature. This variant is reported in 0.00088% of alleles in individuals of European (Non-Finnish) descent in gnomAD. At this time, the clinical significance of this variant is uncertain due to the absence of conclusive functional and genetic evidence.

Literature cited by the submitters: PubMed 25224413 (cited by Women's Health and Genetics/Laboratory Corporation of America, LabCorp); PubMed 21828135 (cited by Women's Health and Genetics/Laboratory Corporation of America, LabCorp); PubMed 23690417 (cited by Women's Health and Genetics/Laboratory Corporation of America, LabCorp); PubMed 19387008 (cited by Women's Health and Genetics/Laboratory Corporation of America, LabCorp); PubMed 19901108 (cited by Women's Health and Genetics/Laboratory Corporation of America, LabCorp); PubMed 20951944 (cited by Women's Health and Genetics/Laboratory Corporation of America, LabCorp); PubMed 19620960 (cited by Women's Health and Genetics/Laboratory Corporation of America, LabCorp); PubMed 22733026 (cited by Women's Health and Genetics/Laboratory Corporation of America, LabCorp); PubMed 29296819 (cited by Women's Health and Genetics/Laboratory Corporation of America, LabCorp); PubMed 20619386 (cited by Women's Health and Genetics/Laboratory Corporation of America, LabCorp); PubMed 23010802 (cited by Women's Health and Genetics/Laboratory Corporation of America, LabCorp); PubMed 27069254 (cited by Women's Health and Genetics/Laboratory Corporation of America, LabCorp).